The following is an entry in ClinVar:

NM_000094.4(COL7A1):c.3894+4A>G

Gene: COL7A1 (collagen type VII alpha 1 chain; minus strand). Cytogenetic location: 3p21.31.
Variant type: single nucleotide variant.
Coding change: c.3894+4A>G on transcript NM_000094.4 (MANE Select); 4 bases into the intron after coding-DNA position 3894, A replaced by G.
Molecular consequence: intron variant.
Genome position (GRCh38, 1-based): chr3:48,585,553, T>C on the plus strand (A>G on the coding strand, the complement: COL7A1 is on the minus strand). VCF-style: chr3-48585553-T-C. GRCh37 (hg19) VCF-style: chr3-48622986-T-C.
Identifiers: ClinVar variation 4724322 (VCV004724322.1).

ClinVar aggregate classification (germline): Uncertain significance (1 of 4 stars; one submission).

Submission:

Labcorp Genetics (formerly Invitae), Labcorp
Classification: Uncertain significance. Last evaluated: 2025-07-30. Review status: criteria provided, single submitter. Criteria: Invitae Variant Classification Sherloc (09022015). Collection method: clinical testing. Allele origin: germline.
Comment: This sequence change falls in intron 31 of the COL7A1 gene. It does not directly change the encoded amino acid sequence of the COL7A1 protein. It affects a nucleotide within the consensus splice site. This variant is not present in population databases (gnomAD no frequency). This variant has not been reported in the literature in individuals affected with COL7A1-related conditions. Variants that disrupt the consensus splice site are a relatively common cause of aberrant splicing (PMID: 17576681, 9536098). Algorithms developed to predict the effect of sequence changes on RNA splicing suggest that this variant may disrupt the consensus splice site. In summary, the available evidence is currently insufficient to determine the role of this variant in disease. Therefore, it has been classified as a Variant of Uncertain Significance.

Literature cited by the submitters: PubMed 17576681; PubMed 9536098.